The following is an entry in ClinVar:

NM_016146.6(TRAPPC4):c.638_*4del (p.Gly213_Ter220delinsXaa)

Gene: TRAPPC4 (trafficking protein particle complex subunit 4; plus strand). Cytogenetic location: 11q23.3.
Variant type: Deletion.
Coding change: c.638_*4del on transcript NM_016146.6 (MANE Select); coding-DNA position 638 through 4 bases downstream of the stop codon, 27 bases deleted (GAACTTTTGGACCTGGGTCATAGGCTG).
Protein change: p.Gly213_Ter220delinsXaa.
Molecular consequence: stop lost.
Genome position (GRCh38, 1-based): chr11:119,023,377-119,023,403, GAACTTTTGGACCTGGGTCATAGGCTG deleted; deleting any 27 consecutive bases within chr11:119,023,371-119,023,403 gives the same sequence; the c. name uses the placement nearest the transcript's 3' end. VCF-style (leftmost placement, unchanged base first): chr11-119023370-AAGGCTGGAACTTTTGGACCTGGGTCAT-A. GRCh37 (hg19) VCF-style: chr11-118894080-AAGGCTGGAACTTTTGGACCTGGGTCAT-A.
Other names: c.320_*4del, p.Gly107_Ter114delinsXaa (NM_001318486.2); c.524_*4del, p.Gly175_Ter182delinsXaa (NM_001318488.2); c.476_*4del, p.Gly159_Ter166delinsXaa (NM_001318489.2); c.509_*4del, p.Gly170_Ter177delinsXaa (NM_001318490.2); c.323_*4del, p.Gly108_Ter115delinsXaa (NM_001318492.2); c.359_*4del, p.Gly120_Ter127delinsXaa (NM_001318494.2).
Identifiers: ClinVar variation 916549 (VCV000916549.3), dbSNP rs1943450738, ClinGen allele CA1139662373.
Genomic context (GRCh38, chr11:119,023,370, plus strand): 5'-GCCCGGCTTAGGTGTGAGCTCTTTGACCAGAACCTGAAGCTAGCTCTGGAGGTGGCAGAG[AAGGCTGGAACTTTTGGACCTGGGTCAT>A]AGGCTGAACCTGTTATGGACCCCCAAATTCTGAGAGTTCCTGCAACAAGAATACTGCTGT-3'

ClinVar aggregate classification (germline): Likely pathogenic (0 of 4 stars; one submission).

Conditions:
Neurodevelopmental disorder with epilepsy, spasticity, and brain atrophy. Identifiers: MedGen C5394027, MONDO:0032894, OMIM 618741.

Submission:

Lupski Lab, Baylor-Hopkins CMG, Baylor College of Medicine
Classification: Likely pathogenic for Neurodevelopmental disorder with epilepsy, spasticity, and brain atrophy. Last evaluated: 2020-04-27. Review status: no assertion criteria provided. Collection method: research. Allele origin: inherited. Inheritance: Autosomal recessive inheritance. Affected: yes. Observed: 1 homozygote.
Comment: This is a novel homozygous in-frame deletion in TRAPPC4, identified in a Libyan consanguineous family with two affected children who have non-syndromic intellectual disability and cerebellar atrophy, a distinct and milder phenotype than reported with the recurrent splice variant by Van Bergen et al. (2020) and Kaur et al. (2020).